The following is an entry in ClinVar:

ClinVar aggregate classification (germline): Pathogenic (1 of 4 stars; one submission).

Conditions:
Inborn genetic diseases. Identifiers: MedGen C0950123, MeSH D030342.

Submission:

Ambry Genetics
Classification: Pathogenic for Inborn genetic diseases. Last evaluated: 2025-10-08. Review status: criteria provided, single submitter. Criteria: Ambry Variant Classification Scheme 2023. Collection method: clinical testing. Allele origin: germline.
Comment: The c.7213C>T (p.Q2405*) alteration, located in exon 16 (coding exon 15) of the ACAN gene, consists of a C to T substitution at nucleotide position 7213. This changes the amino acid from a glutamine (Q) to a stop codon at amino acid position 2405. This alteration is expected to result in loss of function by premature protein truncation or nonsense-mediated mRNA decay. This variant was not reported in population-based cohorts in the Genome Aggregation Database (gnomAD). Based on the available evidence, this alteration is classified as pathogenic.

NM_001369268.1(ACAN):c.7327C>T (p.Gln2443Ter)

Gene: ACAN (aggrecan; plus strand). Cytogenetic location: 15q26.1.
Variant type: single nucleotide variant.
Coding change: c.7327C>T on transcript NM_001369268.1 (MANE Select); coding-DNA position 7327, C replaced by T.
Protein change: p.Gln2443Ter; replaces glutamine 2443 with a stop codon.
Molecular consequence: nonsense.
Genome position (GRCh38, 1-based): chr15:88,872,905, C>T. VCF-style: chr15-88872905-C-T. GRCh37 (hg19) VCF-style: chr15-89416136-C-T.
Other names: c.7099C>T, p.Gln2367Ter (NM_001135.4, NM_001411096.1); c.7213C>T, p.Gln2405Ter (NM_001411097.1, NM_013227.4); short protein forms Q2367*, Q2443*, Q2405*.
Identifiers: ClinVar variation 4565291 (VCV004565291.1).